The following is an entry in ClinVar:

ClinVar aggregate classification (germline): Conflicting classifications of pathogenicity. Review status: criteria provided, conflicting classifications (1 of 4 stars). 5 submissions from 5 submitters: Uncertain significance (4); Likely benign (1). Last evaluated 2025-09-25.

Conditions:
Familial focal epilepsy with variable foci (FPEVF). Identifiers: Orphanet 98820, MedGen C1858477, MONDO:0020310.
Inborn genetic diseases. Identifiers: MedGen C0950123, MeSH D030342.

Allele frequency attached by ClinVar (database versions not stated): gnomAD 0.00005; ExAC 0.00006; gnomAD exomes 0.00006 and 0.00009; TOPMed 0.00006; ESP Exome Variant Server 0.00017.
gnomAD v4.1: 134 of 1,613,906 alleles (0.0083%); highest among the groups gnomAD compares: Non-Finnish European, 0.011%; no homozygotes.

Submissions (5):

Labcorp Genetics (formerly Invitae), Labcorp
Classification: Uncertain significance for Familial focal epilepsy with variable foci. Last evaluated: 2025-09-25. Review status: criteria provided, single submitter. Criteria: Invitae Variant Classification Sherloc (09022015). Collection method: clinical testing. Allele origin: germline.
Comment: This sequence change replaces arginine, which is basic and polar, with tryptophan, which is neutral and slightly polar, at codon 385 of the DEPDC5 protein (p.Arg385Trp). This variant is present in population databases (rs200020310, gnomAD 0.01%). This variant has not been reported in the literature in individuals affected with DEPDC5-related conditions. ClinVar contains an entry for this variant (Variation ID: 444583). Experimental studies and prediction algorithms are not available or were not evaluated, and the functional significance of this variant is currently unknown. In summary, the available evidence is currently insufficient to determine the role of this variant in disease. Therefore, it has been classified as a Variant of Uncertain Significance.

Ambry Genetics
Classification: Likely benign for Inborn genetic diseases. Last evaluated: 2021-08-13. Review status: criteria provided, single submitter. Criteria: Ambry Variant Classification Scheme 2023. Collection method: clinical testing. Allele origin: germline.

GeneDx
Classification: Uncertain significance. Last evaluated: 2019-10-22. Review status: criteria provided, single submitter. Criteria: GeneDx Variant Classification Process June 2021. Collection method: clinical testing. Allele origin: germline. Affected: yes.
Comment: In silico analysis, which includes protein predictors and evolutionary conservation, supports a deleterious effect; Has not been previously published as pathogenic or benign to our knowledge

Mayo Clinic Laboratories, Mayo Clinic
Classification: Uncertain significance. Last evaluated: 2019-06-09. Review status: criteria provided, single submitter. Criteria: ACMG Guidelines, 2015. Collection method: clinical testing. Allele origin: germline. Observed: 1 variant allele.

CeGaT Center for Human Genetics Tuebingen
Classification: Uncertain significance. Last evaluated: 2017-04-01. Review status: criteria provided, single submitter. Criteria: CeGaT Center For Human Genetics Tuebingen Variant Classification Criteria Version 2. Collection method: clinical testing. Allele origin: germline. Affected: yes. Observed: 1 variant allele.

NM_001242896.3(DEPDC5):c.1153C>T (p.Arg385Trp)

Gene: DEPDC5 (DEP domain containing 5, GATOR1 subcomplex subunit; plus strand). Cytogenetic location: 22q12.3.
Variant type: single nucleotide variant.
Coding change: c.1153C>T on transcript NM_001242896.3 (MANE Select); coding-DNA position 1153, C replaced by T.
Protein change: p.Arg385Trp; replaces arginine 385 with tryptophan.
Molecular consequence: missense variant. On other transcripts: non-coding transcript variant (5).
Genome position (GRCh38, 1-based): chr22:31,804,851, C>T. VCF-style: chr22-31804851-C-T. GRCh37 (hg19) VCF-style: chr22-32200837-C-T.
Other names: c.1153C>T, p.Arg385Trp (NM_001007188.4, NM_001136029.4, NM_001242897.2 and 7 more transcripts); c.1069C>T, p.Arg357Trp (NM_001369901.1, NM_001369902.1); short protein forms R385W, R357W.
Identifiers: ClinVar variation 444583 (VCV000444583.59), dbSNP rs200020310, ClinGen allele CA10196259.